The following is an entry in ClinVar:

ClinVar aggregate classification (germline): Uncertain significance (1 of 4 stars; one submission).

Submission:

GeneDx
Classification: Uncertain significance. Last evaluated: 2021-03-15. Review status: criteria provided, single submitter. Criteria: GeneDx Variant Classification Process June 2021. Collection method: clinical testing. Allele origin: germline. Affected: yes.
Comment: Not observed in large population cohorts (Lek et al., 2016); In silico analysis supports that this missense variant has a deleterious effect on protein structure/function; Has not been previously published as pathogenic or benign to our knowledge

NM_005121.3(MED13):c.6398T>G (p.Val2133Gly)

Gene: MED13 (mediator complex subunit 13; minus strand). Cytogenetic location: 17q23.2.
Variant type: single nucleotide variant.
Coding change: c.6398T>G on transcript NM_005121.3 (MANE Select); coding-DNA position 6398, T replaced by G.
Protein change: p.Val2133Gly; replaces valine 2133 with glycine.
Molecular consequence: missense variant.
Genome position (GRCh38, 1-based): chr17:61,946,595, A>C on the plus strand (T>G on the coding strand, the complement: MED13 is on the minus strand). VCF-style: chr17-61946595-A-C. GRCh37 (hg19) VCF-style: chr17-60023956-A-C.
Other names: short protein forms V2133G.
Identifiers: ClinVar variation 1304723 (VCV001304723.2), dbSNP rs2143268362, ClinGen allele CA400499255.